The following is an entry in ClinVar:

NM_000138.5(FBN1):c.4300G>T (p.Gly1434Cys)

Genes: FBN1 (fibrillin 1; minus strand), LOC126862124 (CDK7 strongly-dependent group 2 enhancer GRCh37_chr15:48764566-48765765; plus strand). Cytogenetic location: 15q21.1.
Variant type: single nucleotide variant.
Coding change: c.4300G>T on transcript NM_000138.5 (MANE Select); coding-DNA position 4300, G replaced by T.
Protein change: p.Gly1434Cys; replaces glycine 1434 with cysteine.
Molecular consequence: missense variant.
Genome position (GRCh38, 1-based): chr15:48,472,587, C>A on the plus strand (G>T on the coding strand, the complement: FBN1 is on the minus strand). VCF-style: chr15-48472587-C-A. GRCh37 (hg19) VCF-style: chr15-48764784-C-A.
Other names: c.4300G>T, p.Gly1434Cys (NM_001406716.1); short protein forms G1434C.
Identifiers: ClinVar variation 2937682 (VCV002937682.3), dbSNP rs1376442377, ClinGen allele CA392317639.

ClinVar aggregate classification (germline): Uncertain significance (1 of 4 stars; one submission).

Conditions:
Marfan syndrome (MFS). Also called: MARFAN SYNDROME, TYPE I; Marfan syndrome type 1; Marfan's syndrome; Marfan syndrome, classic; FBN1-Related Marfan Syndrome. Identifiers: Orphanet 284963, Orphanet 558, MedGen C0024796, MONDO:0007947, OMIM 154700.
Familial thoracic aortic aneurysm and aortic dissection (TAAD). Also called: Thoracic aortic aneurysms and dissections. Identifiers: Orphanet 91387, MedGen C4707243, MONDO:0019625.

Submission:

Labcorp Genetics (formerly Invitae), Labcorp
Classification: Uncertain significance for Marfan syndrome; Familial thoracic aortic aneurysm and aortic dissection. Last evaluated: 2024-01-03. Review status: criteria provided, single submitter. Criteria: Invitae Variant Classification Sherloc (09022015). Collection method: clinical testing. Allele origin: germline.
Comment: This sequence change replaces glycine, which is neutral and non-polar, with cysteine, which is neutral and slightly polar, at codon 1434 of the FBN1 protein (p.Gly1434Cys). This variant is not present in population databases (gnomAD no frequency). This variant has not been reported in the literature in individuals affected with FBN1-related conditions. Advanced modeling of protein sequence and biophysical properties (such as structural, functional, and spatial information, amino acid conservation, physicochemical variation, residue mobility, and thermodynamic stability) performed at Invitae indicates that this missense variant is expected to disrupt FBN1 protein function with a positive predictive value of 95%. In summary, the available evidence is currently insufficient to determine the role of this variant in disease. Therefore, it has been classified as a Variant of Uncertain Significance.